The following is an entry in ClinVar:

NM_001355436.2(SPTB):c.3856-14_3856-11del

Gene: SPTB (spectrin beta, erythrocytic; minus strand). Cytogenetic location: 14q23.3.
Variant type: Deletion.
Coding change: c.3856-14_3856-11del on transcript NM_001355436.2 (MANE Select); 14 bases into the intron before coding-DNA position 3856 through 11 bases into the intron before coding-DNA position 3856, 4 bases deleted (CTTT; older notation c.3856-14_3856-11delCTTT).
Molecular consequence: intron variant.
Genome position (GRCh38, 1-based): chr14:64,784,404-64,784,407, AAAG deleted on the plus strand (CTTT on the coding strand, the reverse complement: SPTB is on the minus strand); deleting any 4 consecutive bases within chr14:64,784,404-64,784,408 gives the same sequence; the c. name uses the placement nearest the transcript's 3' end. VCF-style (leftmost placement, unchanged base first): chr14-64784403-TAAAG-T. GRCh37 (hg19) VCF-style: chr14-65251121-TAAAG-T.
Other names: c.3856-14_3856-11del (NM_001024858.4, NM_001355437.2).
Identifiers: ClinVar variation 3728446 (VCV003728446.2).

ClinVar aggregate classification (germline): Uncertain significance (1 of 4 stars; one submission).

Submission:

Labcorp Genetics (formerly Invitae), Labcorp
Classification: Uncertain significance. Last evaluated: 2025-01-01. Review status: criteria provided, single submitter. Criteria: Invitae Variant Classification Sherloc (09022015). Collection method: clinical testing. Allele origin: germline.
Comment: This sequence change falls in intron 17 of the SPTB gene. It does not directly change the encoded amino acid sequence of the SPTB protein. This variant is not present in population databases (gnomAD no frequency). This variant has not been reported in the literature in individuals affected with SPTB-related conditions. Algorithms developed to predict the effect of sequence changes on RNA splicing suggest that this variant may disrupt the consensus splice site. In summary, the available evidence is currently insufficient to determine the role of this variant in disease. Therefore, it has been classified as a Variant of Uncertain Significance.